The following is an entry in ClinVar:

ClinVar aggregate classification (germline): Uncertain significance. Review status: criteria provided, single submitter (1 of 4 stars). 2 submissions from 2 submitters: Uncertain significance (1). 1 of the submissions does not count toward it. Last evaluated 2024-11-24.

Conditions:
Inborn genetic diseases. Identifiers: MedGen C0950123, MeSH D030342.
LAMA5-related disorder. Also called: LAMA5-related condition; LAMA5-Related Disorders.

Allele frequency attached by ClinVar (database versions not stated): gnomAD 0.00005; gnomAD exomes 0.00009.
gnomAD v4.1: 109 of 1,265,944 alleles (0.0086%); highest among the groups gnomAD compares: Non-Finnish European, 0.01%; no homozygotes.

Submissions (2):

Ambry Genetics
Classification: Uncertain significance for Inborn genetic diseases. Last evaluated: 2024-11-24. Review status: criteria provided, single submitter. Criteria: Ambry Variant Classification Scheme 2023. Collection method: clinical testing. Allele origin: germline.

PreventionGenetics, part of Exact Sciences
Classification: Uncertain significance for LAMA5-related condition. Last evaluated: 2024-09-25. Review status: no assertion criteria provided. Collection method: clinical testing. Allele origin: germline. Not counted in ClinVar's aggregate classification.
Comment: The LAMA5 c.202G>A variant is predicted to result in the amino acid substitution p.Ala68Thr. To our knowledge, this variant has not been reported in the literature. This variant is reported in 0.0041% of alleles in individuals of European (Non-Finnish) descent in gnomAD. At this time, the clinical significance of this variant is uncertain due to the absence of conclusive functional and genetic evidence.

NM_005560.6(LAMA5):c.202G>A (p.Ala68Thr)

Genes: LAMA5 (laminin subunit alpha 5; minus strand), LOC130066305 (ATAC-STARR-seq lymphoblastoid silent region 13109; plus strand). Cytogenetic location: 20q13.33.
Variant type: single nucleotide variant.
Coding change: c.202G>A on transcript NM_005560.6 (MANE Select); coding-DNA position 202, G replaced by A.
Protein change: p.Ala68Thr; replaces alanine 68 with threonine.
Molecular consequence: missense variant.
Genome position (GRCh38, 1-based): chr20:62,367,044, C>T on the plus strand (G>A on the coding strand, the complement: LAMA5 is on the minus strand). VCF-style: chr20-62367044-C-T. GRCh37 (hg19) VCF-style: chr20-60942100-C-T.
Other names: c.202G>A (NM_005560.4); short protein forms A68T.
Identifiers: ClinVar variation 2366029 (VCV002366029.4), dbSNP rs761801983, ClinGen allele CA9944535.